The following is an entry in ClinVar:

ClinVar aggregate classification (germline): Uncertain significance (1 of 4 stars; one submission).

Submission:

Labcorp Genetics (formerly Invitae), Labcorp
Classification: Uncertain significance. Last evaluated: 2025-02-25. Review status: criteria provided, single submitter. Criteria: Invitae Variant Classification Sherloc (09022015). Collection method: clinical testing. Allele origin: germline.
Comment: This sequence change replaces aspartic acid, which is acidic and polar, with asparagine, which is neutral and polar, at codon 236 of the CSF2RB protein (p.Asp236Asn). This variant is not present in population databases (gnomAD no frequency). This variant has not been reported in the literature in individuals affected with CSF2RB-related conditions. Invitae Evidence Modeling of protein sequence and biophysical properties (such as structural, functional, and spatial information, amino acid conservation, physicochemical variation, residue mobility, and thermodynamic stability) indicates that this missense variant is not expected to disrupt CSF2RB protein function with a negative predictive value of 80%. In summary, the available evidence is currently insufficient to determine the role of this variant in disease. Therefore, it has been classified as a Variant of Uncertain Significance.

NM_000395.3(CSF2RB):c.706G>A (p.Asp236Asn)

Gene: CSF2RB (colony stimulating factor 2 receptor subunit beta; plus strand). Cytogenetic location: 22q12.3.
Variant type: single nucleotide variant.
Coding change: c.706G>A on transcript NM_000395.3 (MANE Select); coding-DNA position 706, G replaced by A.
Protein change: p.Asp236Asn; replaces aspartic acid 236 with asparagine.
Molecular consequence: missense variant.
Genome position (GRCh38, 1-based): chr22:36,929,795, G>A. VCF-style: chr22-36929795-G-A. GRCh37 (hg19) VCF-style: chr22-37325837-G-A.
Other names: c.706G>A, p.Asp236Asn (NM_001410827.1); short protein forms D236N.
Identifiers: ClinVar variation 4740901 (VCV004740901.1).